The following is an entry in ClinVar:

ClinVar aggregate classification (germline): Uncertain significance. Review status: criteria provided, multiple submitters, no conflicts (2 of 4 stars). 2 submissions from 2 submitters: Uncertain significance (2). Last evaluated 2025-12-29.

Conditions:
Inborn genetic diseases. Identifiers: MedGen C0950123, MeSH D030342.

Allele frequency attached by ClinVar (database versions not stated): TOPMed below 0.00001; gnomAD 0.00001; gnomAD exomes 0.00001.
gnomAD v4.1: 11 of 1,605,580 alleles (0.00069%); highest among the groups gnomAD compares: African/African-American, 0.0013%; no homozygotes.

Submissions (2):

Ambry Genetics
Classification: Uncertain significance for Inborn genetic diseases. Last evaluated: 2025-12-29. Review status: criteria provided, single submitter. Criteria: Ambry Variant Classification Scheme 2023. Collection method: clinical testing. Allele origin: germline.

CeGaT Center for Human Genetics Tuebingen
Classification: Uncertain significance. Last evaluated: 2022-05-01. Review status: criteria provided, single submitter. Criteria: CeGaT Center For Human Genetics Tuebingen Variant Classification Criteria Version 2. Collection method: clinical testing. Allele origin: germline. Affected: yes. Observed: 1 variant allele.
Comment: KCNQ2: PP2

NM_172107.4(KCNQ2):c.2071C>T (p.Arg691Cys)

Gene: KCNQ2 (potassium voltage-gated channel subfamily Q member 2; minus strand). Cytogenetic location: 20q13.33.
Variant type: single nucleotide variant.
Coding change: c.2071C>T on transcript NM_172107.4 (MANE Select); coding-DNA position 2071, C replaced by T.
Protein change: p.Arg691Cys; replaces arginine 691 with cysteine.
Molecular consequence: missense variant.
Genome position (GRCh38, 1-based): chr20:63,407,192, G>A on the plus strand (C>T on the coding strand, the complement: KCNQ2 is on the minus strand). VCF-style: chr20-63407192-G-A. GRCh37 (hg19) VCF-style: chr20-62038545-G-A.
Other names: c.2125C>T, p.Arg709Cys (NM_001382235.1); c.1987C>T, p.Arg663Cys (NM_004518.6); c.2017C>T, p.Arg673Cys (NM_172106.3); c.1978C>T, p.Arg660Cys (NM_172108.5); c.2071C>T (NM_172107.2); short protein forms R660C, R663C, R673C, R691C, R709C.
Identifiers: ClinVar variation 1695022 (VCV001695022.31), dbSNP rs1223286018, ClinGen allele CA409639054.